The following is an entry in ClinVar:

NM_000051.4(ATM):c.270G>T (p.Arg90Ser)

Gene: ATM (ATM serine/threonine kinase; plus strand). Cytogenetic location: 11q22.3.
Variant type: single nucleotide variant.
Coding change: c.270G>T on transcript NM_000051.4 (MANE Select); coding-DNA position 270, G replaced by T.
Protein change: p.Arg90Ser; replaces arginine 90 with serine.
Molecular consequence: missense variant.
Genome position (GRCh38, 1-based): chr11:108,229,262, G>T. VCF-style: chr11-108229262-G-T. GRCh37 (hg19) VCF-style: chr11-108099989-G-T.
Other names: c.270G>T, p.Arg90Ser (NM_001351834.2, NM_001351835.2, NM_001351836.2); short protein forms R90S.
Identifiers: ClinVar variation 928113 (VCV000928113.9), dbSNP rs1313014736, ClinGen allele CA382521632.

ClinVar aggregate classification (germline): Uncertain significance. Review status: criteria provided, multiple submitters, no conflicts (2 of 4 stars). 3 submissions from 3 submitters: Uncertain significance (3). Last evaluated 2024-07-25.

Conditions:
Ataxia-telangiectasia syndrome (AT). Also called: Ataxia-telangiectasia, complementation group D; Cerebello-oculocutaneous telangiectasia; Immunodeficiency with ataxia telangiectasia; LOUIS-BAR SYNDROME; Ataxia-telangiectasia; AT, COMPLEMENTATION GROUP C. Identifiers: Orphanet 100, MedGen C0004135, MONDO:0008840, OMIM 208900.
Hereditary cancer-predisposing syndrome. Also called: Tumor predisposition; Hereditary neoplastic syndrome; Neoplastic Syndromes, Hereditary; Hereditary Cancer Syndrome. Identifiers: Orphanet 140162, MedGen C0027672, MeSH D009386, MONDO:0015356.

Allele frequency attached by ClinVar (database versions not stated): TOPMed below 0.00001; gnomAD 0.00001.
gnomAD v4.1: 1 of 1,613,510 alleles (0.000062%); highest among the groups gnomAD compares: Non-Finnish European, 0.000085%; no homozygotes.

Submissions (3):

Labcorp Genetics (formerly Invitae), Labcorp
Classification: Uncertain significance for Ataxia-telangiectasia syndrome. Last evaluated: 2024-07-25. Review status: criteria provided, single submitter. Criteria: Invitae Variant Classification Sherloc (09022015). Collection method: clinical testing. Allele origin: germline.
Comment: This sequence change replaces arginine, which is basic and polar, with serine, which is neutral and polar, at codon 90 of the ATM protein (p.Arg90Ser). This variant is not present in population databases (gnomAD no frequency). This variant has not been reported in the literature in individuals affected with ATM-related conditions. ClinVar contains an entry for this variant (Variation ID: 928113). Advanced modeling of protein sequence and biophysical properties (such as structural, functional, and spatial information, amino acid conservation, physicochemical variation, residue mobility, and thermodynamic stability) performed at Invitae indicates that this missense variant is not expected to disrupt ATM protein function with a negative predictive value of 95%. In summary, the available evidence is currently insufficient to determine the role of this variant in disease. Therefore, it has been classified as a Variant of Uncertain Significance.

Color Diagnostics, LLC DBA Color Health
Classification: Uncertain significance for Hereditary cancer-predisposing syndrome. Last evaluated: 2024-03-06. Review status: criteria provided, single submitter. Criteria: ACMG Guidelines, 2015. Collection method: clinical testing. Allele origin: germline.
Comment: This missense variant replaces arginine with serine at codon 90 of the ATM protein. Computational prediction tool suggests that this variant may not impact protein structure and function (internally defined REVEL score threshold <=0.5, PMID: 27666373). Splice site prediction tools suggest that this variant may not impact RNA splicing. To our knowledge, functional studies have not been performed for this variant. This variant has not been reported in individuals affected with hereditary cancer in the literature. This variant has not been identified in the general population by the Genome Aggregation Database (gnomAD). The available evidence is insufficient to determine the role of this variant in disease conclusively. Therefore, this variant is classified as a Variant of Uncertain Significance.

Ambry Genetics
Classification: Uncertain significance for Hereditary cancer-predisposing syndrome. Last evaluated: 2023-05-05. Review status: criteria provided, single submitter. Criteria: Ambry Variant Classification Scheme 2023. Collection method: clinical testing. Allele origin: germline.
Comment: The p.R90S variant (also known as c.270G>T), located in coding exon 3 of the ATM gene, results from a G to T substitution at nucleotide position 270. The arginine at codon 90 is replaced by serine, an amino acid with dissimilar properties. This amino acid position is conserved. In addition, the in silico prediction for this alteration is inconclusive. Since supporting evidence is limited at this time, the clinical significance of this alteration remains unclear.